The following is an entry in ClinVar:

ClinVar aggregate classification (germline): Uncertain significance. Review status: criteria provided, multiple submitters, no conflicts (2 of 4 stars). 2 submissions from 2 submitters: Uncertain significance (2). Last evaluated 2025-01-11.

Conditions:
Tumor predisposition syndrome 3 (TPDS3). Also called: Glioma susceptibility 9; LONG TELOMERE SYNDROME, POT1-RELATED; POT1 Tumor Predisposition; Melanoma, cutaneous malignant, susceptibility to, 10. Identifiers: Orphanet 618, MedGen C4014476, MONDO:0014368, OMIM 615848.
Hereditary cancer-predisposing syndrome. Also called: Neoplastic Syndromes, Hereditary; Hereditary Cancer Syndrome; Hereditary neoplastic syndrome; Tumor predisposition. Identifiers: Orphanet 140162, MedGen C0027672, MeSH D009386, MONDO:0015356.

Submissions (2):

Ambry Genetics
Classification: Uncertain significance for Hereditary cancer-predisposing syndrome. Last evaluated: 2025-01-11. Review status: criteria provided, single submitter. Criteria: Ambry Variant Classification Scheme 2023. Collection method: clinical testing. Allele origin: germline.
Comment: The p.G272V variant (also known as c.815G>T), located in coding exon 6 of the POT1 gene, results from a G to T substitution at nucleotide position 815. The glycine at codon 272 is replaced by valine, an amino acid with dissimilar properties. This amino acid position is highly conserved in available vertebrate species. In addition, this alteration is predicted to be deleterious by in silico analysis. Based on the available evidence, the clinical significance of this variant remains unclear.

Labcorp Genetics (formerly Invitae), Labcorp
Classification: Uncertain significance for Tumor predisposition syndrome 3. Last evaluated: 2024-01-05. Review status: criteria provided, single submitter. Criteria: Invitae Variant Classification Sherloc (09022015). Collection method: clinical testing. Allele origin: germline.
Comment: This sequence change replaces glycine, which is neutral and non-polar, with valine, which is neutral and non-polar, at codon 272 of the POT1 protein (p.Gly272Val). This variant is not present in population databases (gnomAD no frequency). This variant has not been reported in the literature in individuals affected with POT1-related conditions. ClinVar contains an entry for this variant (Variation ID: 1002955). Advanced modeling of protein sequence and biophysical properties (such as structural, functional, and spatial information, amino acid conservation, physicochemical variation, residue mobility, and thermodynamic stability) performed at Invitae indicates that this missense variant is not expected to disrupt POT1 protein function with a negative predictive value of 80%. In summary, the available evidence is currently insufficient to determine the role of this variant in disease. Therefore, it has been classified as a Variant of Uncertain Significance.

NM_015450.3(POT1):c.815G>T (p.Gly272Val)

Gene: POT1 (protection of telomeres 1; minus strand). Cytogenetic location: 7q31.33.
Variant type: single nucleotide variant.
Coding change: c.815G>T on transcript NM_015450.3 (MANE Select); coding-DNA position 815, G replaced by T.
Protein change: p.Gly272Val; replaces glycine 272 with valine.
Molecular consequence: missense variant. On other transcripts: non-coding transcript variant (3).
Genome position (GRCh38, 1-based): chr7:124,853,026, C>A on the plus strand (G>T on the coding strand, the complement: POT1 is on the minus strand). VCF-style: chr7-124853026-C-A. GRCh37 (hg19) VCF-style: chr7-124493080-C-A.
Other names: c.815G>T (NM_015450.2); c.422G>T, p.Gly141Val (NM_001042594.2); short protein forms G141V, G272V.
Identifiers: ClinVar variation 1002955 (VCV001002955.10), dbSNP rs1795351848, ClinGen allele CA369055347.
Genomic context (GRCh38, chr7:124,853,026, plus strand): 5'-GCTTACTTTTTCAGTTGATCCACATCAGAGTTACTTTCTGGCAAGACCCTGATTCCCCGA[C>A]CGTAACTGGTACCTCCATGAAGATGAAACTCTAAACTTAACATTGTCTGATTCTCTGAAT-3'
Protein context (NP_056265.2, residues 262-282): EFHLHGGTSY[Gly272Val]RGIRVLPESN